The following is an entry in ClinVar:

ClinVar aggregate classification (germline): Uncertain significance. Review status: criteria provided, multiple submitters, no conflicts (2 of 4 stars). 4 submissions from 4 submitters: Uncertain significance (4). Last evaluated 2024-08-22.

Conditions:
COL6A2-related disorder.
Bethlem myopathy 1A. Also called: Bethlem myopathy 1; MYOPATHY, BENIGN CONGENITAL, WITH CONTRACTURES; Bethlem Muscular Dystrophy. Identifiers: Orphanet 610, MedGen CN029274, MONDO:0024530, OMIM 158810.

Allele frequency attached by ClinVar (database versions not stated): gnomAD exomes 0.00001 and 0.00002; gnomAD 0.00003 and 0.00004; TOPMed 0.00003; ExAC 0.00004.
gnomAD v4.1: 27 of 1,563,986 alleles (0.0017%); highest among the groups gnomAD compares: East Asian, 0.0047%; no homozygotes.

Submissions (4):

GeneDx
Classification: Uncertain significance. Last evaluated: 2024-08-22. Review status: criteria provided, single submitter. Criteria: GeneDx Variant Classification Process June 2021. Collection method: clinical testing. Allele origin: germline. Affected: yes.
Comment: Replaces the glycine in the canonical Gly-X-Y repeat of the triple helical domain and is expected to disrupt normal protein folding and function, which is an established mechanism of disease (HGMD); In silico analysis supports that this missense variant has a deleterious effect on protein structure/function; Has not been previously published as pathogenic or benign to our knowledge

PreventionGenetics, part of Exact Sciences
Classification: Uncertain significance for COL6A2-related condition. Last evaluated: 2023-05-17. Review status: criteria provided, single submitter. Criteria: ACMG Guidelines, 2015. Collection method: clinical testing. Allele origin: germline.
Comment: The COL6A2 c.1288G>A variant is predicted to result in the amino acid substitution p.Gly430Ser. To our knowledge, this variant has not been reported in the literature. This variant is reported in 0.0051% of alleles in individuals of European (Finnish) descent in gnomAD. This variant affects a Gly residue of the conserved triple helical domain, where substitutions of the glycine are frequently pathogenic (Butterfield et al. 2013. PubMed ID: 24038877). Although we suspect that this variant may be pathogenic, at this time, the clinical significance of this variant is uncertain due to the absence of conclusive functional and genetic evidence.

Labcorp Genetics (formerly Invitae), Labcorp
Classification: Uncertain significance for Bethlem myopathy 1A. Last evaluated: 2023-05-10. Review status: criteria provided, single submitter. Criteria: Invitae Variant Classification Sherloc (09022015). Collection method: clinical testing. Allele origin: germline.
Comment: This sequence change replaces glycine, which is neutral and non-polar, with serine, which is neutral and polar, at codon 430 of the COL6A2 protein (p.Gly430Ser). The frequency data for this variant in the population databases is considered unreliable, as metrics indicate poor data quality at this position in the gnomAD database. This variant has not been reported in the literature in individuals affected with COL6A2-related conditions. ClinVar contains an entry for this variant (Variation ID: 289769). Advanced modeling of protein sequence and biophysical properties (such as structural, functional, and spatial information, amino acid conservation, physicochemical variation, residue mobility, and thermodynamic stability) performed at Invitae indicates that this missense variant is expected to disrupt COL6A2 protein function. This variant disrupts the triple helix domain of COL6A2. Glycine residues within the Gly-Xaa-Yaa repeats of the triple helix domain are required for the structure and stability of fibrillar collagens (PMID: 7695699, 8218237, 19344236). In COL6A2, missense variants at these glycine residues are significantly enriched in individuals with autosomal dominant disease (PMID: 15689448, 24038877) compared to the general population (ExAC). In summary, the available evidence is currently insufficient to determine the role of this variant in disease. Therefore, it has been classified as a Variant of Uncertain Significance.

Eurofins Ntd Llc (ga)
Classification: Uncertain significance. Last evaluated: 2018-06-18. Review status: criteria provided, single submitter. Criteria: EGL ClinVar v180209 classification definitions. Collection method: clinical testing. Allele origin: germline. Observed: 2 variant alleles, 2 heterozygotes.

Literature cited by the submitters: PubMed 7695699 (cited by Labcorp Genetics (formerly Invitae), Labcorp); PubMed 8218237 (cited by Labcorp Genetics (formerly Invitae), Labcorp); PubMed 19344236 (cited by Labcorp Genetics (formerly Invitae), Labcorp); PubMed 15689448 (cited by Labcorp Genetics (formerly Invitae), Labcorp); PubMed 24038877 (cited by Labcorp Genetics (formerly Invitae), Labcorp).

NM_001849.4(COL6A2):c.1288G>A (p.Gly430Ser)

Gene: COL6A2 (collagen type VI alpha 2 chain; plus strand). Cytogenetic location: 21q22.3.
Variant type: single nucleotide variant.
Coding change: c.1288G>A on transcript NM_001849.4 (MANE Select); coding-DNA position 1288, G replaced by A.
Protein change: p.Gly430Ser; replaces glycine 430 with serine.
Molecular consequence: missense variant.
Genome position (GRCh38, 1-based): chr21:46,119,806, G>A. VCF-style: chr21-46119806-G-A. GRCh37 (hg19) VCF-style: chr21-47539720-G-A.
Other names: c.1288G>A, p.Gly430Ser (NM_058174.3, NM_058175.3); short protein forms G430S.
Identifiers: ClinVar variation 289769 (VCV000289769.16), dbSNP rs765430501, ClinGen allele CA10071820.
Genomic context (GRCh38, chr21:46,119,806, plus strand): 5'-GGACTCAGCCCCCTCCCTCACCCACACGCCTGTTCTCTGCAGGGGCGCAGGGGAGACCCC[G>A]GCACCAAGGGCAGCCCAGGCAGCGATGGCCCCAAGGGGGAGAAGGTGAGTCCTCGTGTGG-3'
Protein context (NP_001840.3, residues 420-440): KGEPGRRGDP[Gly430Ser]TKGSPGSDGP